The following is an entry in ClinVar:

ClinVar aggregate classification (germline): Uncertain significance. Review status: criteria provided, multiple submitters, no conflicts (2 of 4 stars). 8 submissions from 8 submitters: Uncertain significance (8). Last evaluated 2026-06-05.

Conditions:
POLG-related disorder. Also called: POLG-Related Spectrum Disorders; POLG-related condition; POLG-Related Disorders. Identifiers: MedGen C4763519.
Progressive sclerosing poliodystrophy (MTDPS4A). Also called: ALPERS PROGRESSIVE INFANTILE POLIODYSTROPHY; NEURONAL DEGENERATION OF CHILDHOOD WITH LIVER DISEASE, PROGRESSIVE; Alpers Syndrome; ALPERS DIFFUSE DEGENERATION OF CEREBRAL GRAY MATTER WITH HEPATIC CIRRHOSIS; Alpers-Huttenlocher Syndrome; Mitochondrial DNA Depletion Syndrome 4A. Identifiers: Orphanet 726, MedGen C0205710, MONDO:0008758, OMIM 203700.

Allele frequency attached by ClinVar (database versions not stated): TOPMed below 0.00001; gnomAD exomes 0.00001; ExAC 0.00002.

Submissions (8):

PreventionGenetics, part of Exact Sciences
Classification: Uncertain significance for POLG-related condition. Last evaluated: 2026-06-05. Review status: criteria provided, single submitter. Criteria: ACMG Guidelines, 2015. Collection method: clinical testing. Allele origin: germline.
Comment: The POLG c.3046G>A variant is predicted to result in the amino acid substitution p.Glu1016Lys. To our knowledge, this variant has not been reported in the literature. This variant is reported in 0.0087% of alleles in individuals of Latino descent in gnomAD. At this time, the clinical significance of this variant is uncertain due to the absence of conclusive functional and genetic evidence.

Labcorp Genetics (formerly Invitae), Labcorp
Classification: Uncertain significance for Progressive sclerosing poliodystrophy. Last evaluated: 2026-01-05. Review status: criteria provided, single submitter. Criteria: Invitae Variant Classification Sherloc (09022015). Collection method: clinical testing. Allele origin: germline.
Comment: This sequence change replaces glutamic acid, which is acidic and polar, with lysine, which is basic and polar, at codon 1016 of the POLG protein (p.Glu1016Lys). This variant is present in population databases (rs763290547, gnomAD 0.009%). This variant has not been reported in the literature in individuals affected with POLG-related conditions. ClinVar contains an entry for this variant (Variation ID: 392141). Invitae Evidence Modeling of protein sequence and biophysical properties (such as structural, functional, and spatial information, amino acid conservation, physicochemical variation, residue mobility, and thermodynamic stability) has been performed for this missense variant. However, the output from this modeling did not meet the statistical confidence thresholds required to predict the impact of this variant on POLG protein function. In summary, the available evidence is currently insufficient to determine the role of this variant in disease. Therefore, it has been classified as a Variant of Uncertain Significance.

GeneDx
Classification: Uncertain significance. Last evaluated: 2025-04-08. Review status: criteria provided, single submitter. Criteria: GeneDx Variant Classification Process June 2021. Collection method: clinical testing. Allele origin: germline. Affected: yes.
Comment: Not observed at significant frequency in large population cohorts (gnomAD); In silico analysis indicates that this missense variant does not alter protein structure/function; Has not been previously published as pathogenic or benign to our knowledge; In silico analysis suggests this variant may impact gene splicing. In the absence of RNA/functional studies, the actual effect of this sequence change is unknown.

Mayo Clinic Laboratories, Mayo Clinic
Classification: Uncertain significance. Last evaluated: 2024-07-22. Review status: criteria provided, single submitter. Criteria: ACMG Guidelines, 2015. Collection method: clinical testing. Allele origin: germline. Observed: 1 variant allele.

Blueprint Genetics
Classification: Uncertain significance. Last evaluated: 2020-12-16. Review status: criteria provided, single submitter. Criteria: ACMG Guidelines, 2015. Collection method: clinical testing. Allele origin: germline.

Wong Mito Lab, Molecular and Human Genetics, Baylor College of Medicine
Classification: Uncertain significance for Progressive sclerosing poliodystrophy. Last evaluated: 2018-10-01. Review status: criteria provided, single submitter. Criteria: ACMG Guidelines, 2015. Collection method: clinical testing. Allele origin: germline.
Comment: The NM_002693.2:c.3046G>A (NP_002684.1:p.Glu1016Lys) [GRCH38: NC_000015.10:g.89319286C>T] variant in POLG gene is interpretated to be a Uncertain Significance based on ACMG guidelines (PMID: 25741868). This variant meets the following evidence codes reported in the ACMG-guideline. PM2:This variant is absent in key population databases. Based on the evidence criteria codes applied, the variant is suggested to be Uncertain Significance.

Athena Diagnostics
Classification: Uncertain significance. Last evaluated: 2017-12-15. Review status: criteria provided, single submitter. Criteria: Athena Diagnostics Criteria. Collection method: clinical testing. Allele origin: germline.

Eurofins Ntd Llc (ga)
Classification: Uncertain significance. Last evaluated: 2017-05-23. Review status: criteria provided, single submitter. Criteria: EGL Classification Definitions 2015. Collection method: clinical testing. Allele origin: germline. Observed: 1 variant allele, 1 heterozygote.

NM_002693.3(POLG):c.3046G>A (p.Glu1016Lys)

Gene: POLG (DNA polymerase gamma, catalytic subunit; minus strand). Cytogenetic location: 15q26.1.
Variant type: single nucleotide variant.
Coding change: c.3046G>A on transcript NM_002693.3 (MANE Select); coding-DNA position 3046, G replaced by A.
Protein change: p.Glu1016Lys; replaces glutamic acid 1016 with lysine.
Molecular consequence: missense variant.
Genome position (GRCh38, 1-based): chr15:89,319,286, C>T on the plus strand (G>A on the coding strand, the complement: POLG is on the minus strand). VCF-style: chr15-89319286-C-T. GRCh37 (hg19) VCF-style: chr15-89862517-C-T.
Other names: p.Glu1016Lys; c.3046G>A, p.Glu1016Lys (NM_001126131.2); short protein forms E1016K.
Identifiers: ClinVar variation 392141 (VCV000392141.19), dbSNP rs763290547, ClinGen allele CA7724263.